The following is an entry in ClinVar:

NM_018896.5(CACNA1G):c.2998G>A (p.Glu1000Lys)

Gene: CACNA1G (calcium voltage-gated channel subunit alpha1 G; plus strand). Cytogenetic location: 17q21.33.
Variant type: single nucleotide variant.
Coding change: c.2998G>A on transcript NM_018896.5 (MANE Select); coding-DNA position 2998, G replaced by A.
Protein change: p.Glu1000Lys; replaces glutamic acid 1000 with lysine.
Molecular consequence: missense variant. On other transcripts: non-coding transcript variant (5).
Genome position (GRCh38, 1-based): chr17:50,596,580, G>A. VCF-style: chr17-50596580-G-A. GRCh37 (hg19) VCF-style: chr17-48673941-G-A.
Other names: c.2998G>A, p.Glu1000Lys (NM_001256325.2, NM_001256326.2, NM_001256330.2 and 16 more transcripts); c.2929G>A, p.Glu977Lys (NM_001256332.2, NM_198376.3, NM_198379.3 and 5 more transcripts); short protein forms E1000K, E977K.
Identifiers: ClinVar variation 3342452 (VCV003342452.3).

ClinVar aggregate classification (germline): Conflicting classifications of pathogenicity. Review status: criteria provided, conflicting classifications (1 of 4 stars). 2 submissions from 2 submitters: Uncertain significance (1); Likely benign (1). Last evaluated 2024-07-12.

gnomAD v4.1: 12 of 1,613,830 alleles (0.00074%); highest among the groups gnomAD compares: East Asian, 0.0067%; no homozygotes.

Submissions (2):

Labcorp Genetics (formerly Invitae), Labcorp
Classification: Likely benign. Last evaluated: 2024-07-12. Review status: criteria provided, single submitter. Criteria: Invitae Variant Classification Sherloc (09022015). Collection method: clinical testing. Allele origin: germline.

GeneDx
Classification: Uncertain significance. Last evaluated: 2023-12-11. Review status: criteria provided, single submitter. Criteria: GeneDx Variant Classification Process June 2021. Collection method: clinical testing. Allele origin: germline. Affected: yes.
Comment: In silico analysis supports that this missense variant does not alter protein structure/function; Has not been previously published as pathogenic or benign to our knowledge